The following is an entry in ClinVar:

ClinVar aggregate classification (germline): Pathogenic (1 of 4 stars; one submission).

Conditions:
Mucopolysaccharidosis, MPS-II (MPS2). Also called: Hunter Syndrome; IDURONATE 2-SULFATASE DEFICIENCY; Mucopolysaccharidosis Type II; Mucopolysaccharidosis type 2; Attenuated MPS (subtype; formerly known as mild MPS II); Severe MPS II. Identifiers: Orphanet 580, Orphanet 79388, MedGen C0026705, MONDO:0010674, OMIM 309900.

Submission:

Laboratory of Diagnosis and Therapy of Lysosomal Disorders, University of Padova
Classification: Pathogenic for Mucopolysaccharidosis, MPS-II. Last evaluated: 2024-06-07. Review status: criteria provided, single submitter. Criteria: ACMG Guidelines, 2015. Collection method: literature only. Allele origin: germline. Affected: yes. Observed: 1 variant allele.
Comment: Null variant (PVS1_VeryStrong), De novo (PS2_Moderate), Absent from controls (or at low frequency) in gnomAD database (PM2_Moderate), Patient’s phenotype or family history highly specific for the disease (PP4_Moderate)

Classification method: ACMG Guidelines [PMID:25741868] with modifications

Literature cited by the submitters: PubMed 27883178.

NM_000202.8(IDS):c.286A>T (p.Arg96Ter)

Gene: IDS (iduronate 2-sulfatase; minus strand). Cytogenetic location: Xq28.
Variant type: single nucleotide variant.
Coding change: c.286A>T on transcript NM_000202.8 (MANE Select); coding-DNA position 286, A replaced by T.
Protein change: p.Arg96Ter; replaces arginine 96 with a stop codon.
Molecular consequence: nonsense. On other transcripts: non-coding transcript variant (1).
Genome position (GRCh38, 1-based): chrX:149,503,444, T>A on the plus strand (A>T on the coding strand, the complement: IDS is on the minus strand). VCF-style: chrX-149503444-T-A. GRCh37 (hg19) VCF-style: chrX-148584974-T-A.
Other names: c.16A>T, p.Arg6Ter (NM_001166550.4); c.286A>T, p.Arg96Ter (NM_006123.5); short protein forms R6*, R96*.
Identifiers: ClinVar variation 3255656 (VCV003255656.2).